The following is an entry in ClinVar:

NM_005911.6(MAT2A):c.92-237C>A

Gene: MAT2A (methionine adenosyltransferase 2A; plus strand). Cytogenetic location: 2p11.2.
Variant type: single nucleotide variant.
Coding change: c.92-237C>A on transcript NM_005911.6 (MANE Select); 237 bases into the intron before coding-DNA position 92, C replaced by A.
Molecular consequence: intron variant.
Genome position (GRCh38, 1-based): chr2:85,540,846, C>A. VCF-style: chr2-85540846-C-A. GRCh37 (hg19) VCF-style: chr2-85767969-C-A.
Identifiers: ClinVar variation 678724 (VCV000678724.1), dbSNP rs2028899, ClinGen allele CA51724108.
Genomic context (GRCh38, chr2:85,540,846, plus strand): 5'-TACCAGACTCCCAGGTGCAGAGGGGTTTGGTACAGTTGTGGAAGTGAATATGATATAGGG[C>A]AAATTCTGTTCTTTAAAGGATATAGGACTAACAGTTCACCTTTCTGGTGATTAGATTTAT-3'

ClinVar aggregate classification (germline): Likely benign (1 of 4 stars; one submission).

Allele frequency attached by ClinVar (database versions not stated): 1000 Genomes Project 30x 0.02452; 1000 Genomes Project 0.02616; gnomAD 0.03682 and 0.03771; TOPMed 0.03722.

Submission:

GeneDx
Classification: Likely benign. Last evaluated: 2018-06-14. Review status: criteria provided, single submitter. Criteria: GeneDx Variant Classification (06012015). Collection method: clinical testing. Allele origin: germline. Affected: yes.
Comment: This variant is considered likely benign or benign based on one or more of the following criteria: it is a conservative change, it occurs at a poorly conserved position in the protein, it is predicted to be benign by multiple in silico algorithms, and/or has population frequency not consistent with disease.